The following is an entry in ClinVar:

ClinVar aggregate classification (germline): Uncertain significance (1 of 4 stars; one submission).

Conditions:
ALMS1-related disorder. Also called: ALMS1-related condition.

Submission:

PreventionGenetics, part of Exact Sciences
Classification: Uncertain significance for ALMS1-related condition. Last evaluated: 2025-07-14. Review status: criteria provided, single submitter. Criteria: ACMG Guidelines, 2015. Collection method: clinical testing. Allele origin: germline.
Comment: The ALMS1 c.12128A>C variant is predicted to result in the amino acid substitution p.His4043Pro. To our knowledge, this variant has not been reported in the literature or in a large population database (gnomAD), indicating this variant is rare. At this time, the clinical significance of this variant is uncertain due to the absence of conclusive functional and genetic evidence.

NM_001378454.1(ALMS1):c.12125A>C (p.Gln4042Pro)

Genes: ALMS1 (ALMS1 centrosome and basal body associated protein; plus strand), LOC126806252 (BRD4-independent group 4 enhancer GRCh37_chr2:73828496-73829695; plus strand). Cytogenetic location: 2p13.1.
Variant type: single nucleotide variant.
Coding change: c.12125A>C on transcript NM_001378454.1 (MANE Select); coding-DNA position 12125, A replaced by C.
Protein change: p.Gln4042Pro; replaces glutamine 4042 with proline.
Molecular consequence: missense variant.
Genome position (GRCh38, 1-based): chr2:73,602,195, A>C. VCF-style: chr2-73602195-A-C. GRCh37 (hg19) VCF-style: chr2-73829322-A-C.
Other names: c.12128A>C, p.Gln4043Pro (NM_015120.4); short protein forms Q4042P, Q4043P.
Identifiers: ClinVar variation 4993845 (VCV004993845.1).